The following is an entry in ClinVar:

ClinVar aggregate classification (germline): Conflicting classifications of pathogenicity. Review status: criteria provided, conflicting classifications (1 of 4 stars). 4 submissions from 4 submitters: Uncertain significance (3); Likely benign (1). Last evaluated 2025-10-17.

Conditions:
Inborn genetic diseases. Identifiers: MedGen C0950123, MeSH D030342.
DDX41-related hematologic malignancy predisposition syndrome. Also called: Myeloproliferative/lymphoproliferative neoplasms, familial (multiple types), susceptibility to; DDX41-Associated Familial Myelodysplastic Syndrome and Acute Myeloid Leukemia. Identifiers: Orphanet 488647, MedGen C4225174, MONDO:0014809, OMIM 616871.

Allele frequency attached by ClinVar (database versions not stated): ExAC 0.00001; TOPMed 0.00002; gnomAD 0.00003.
gnomAD v4.1: 16 of 1,612,762 alleles (0.00099%); highest among the groups gnomAD compares: Middle Eastern, 0.016%; no homozygotes.

Submissions (4):

Labcorp Genetics (formerly Invitae), Labcorp
Classification: Uncertain significance. Last evaluated: 2025-10-17. Review status: criteria provided, single submitter. Criteria: Invitae Variant Classification Sherloc (09022015). Collection method: clinical testing. Allele origin: germline.
Comment: This sequence change replaces arginine, which is basic and polar, with histidine, which is basic and polar, at codon 282 of the DDX41 protein (p.Arg282His). This variant is present in population databases (rs756029240, gnomAD 0.0009%). This missense change has been observed in individual(s) with DDX41-related conditions (PMID: 35671390, 37506341). ClinVar contains an entry for this variant (Variation ID: 2674784). An algorithm developed to predict the effect of missense changes on protein structure and function (PolyPhen-2) suggests that this variant is likely to be tolerated. In summary, the available evidence is currently insufficient to determine the role of this variant in disease. Therefore, it has been classified as a Variant of Uncertain Significance.

Ambry Genetics
Classification: Likely benign for Inborn genetic diseases. Last evaluated: 2024-10-17. Review status: criteria provided, single submitter. Criteria: Ambry Variant Classification Scheme 2023. Collection method: clinical testing. Allele origin: germline.

GeneDx
Classification: Uncertain significance. Last evaluated: 2024-03-08. Review status: criteria provided, single submitter. Criteria: GeneDx Variant Classification Process June 2021. Collection method: clinical testing. Allele origin: germline. Affected: yes.
Comment: In silico analysis supports that this missense variant does not alter protein structure/function; Not observed at significant frequency in large population cohorts (gnomAD); This variant is associated with the following publications: (PMID: 35671390, 27721487, 32512379, 37450374)

Baylor Genetics
Classification: Uncertain significance for DDX41-related hematologic malignancy predisposition syndrome. Last evaluated: 2023-06-23. Review status: criteria provided, single submitter. Criteria: ACMG Guidelines, 2015. Collection method: clinical testing. Allele origin: unknown.

Literature cited by the submitters: PubMed 35671390 (cited by Labcorp Genetics (formerly Invitae), Labcorp); PubMed 37506341 (cited by Labcorp Genetics (formerly Invitae), Labcorp).

NM_016222.4(DDX41):c.845G>A (p.Arg282His)

Gene: DDX41 (DEAD-box helicase 41; minus strand). Cytogenetic location: 5q35.3.
Variant type: single nucleotide variant.
Coding change: c.845G>A on transcript NM_016222.4 (MANE Select); coding-DNA position 845, G replaced by A.
Protein change: p.Arg282His; replaces arginine 282 with histidine.
Molecular consequence: missense variant.
Genome position (GRCh38, 1-based): chr5:177,514,791, C>T on the plus strand (G>A on the coding strand, the complement: DDX41 is on the minus strand). VCF-style: chr5-177514791-C-T. GRCh37 (hg19) VCF-style: chr5-176941792-C-T.
Other names: c.845G>A (NM_016222.2); c.467G>A, p.Arg156His (NM_001321732.2, NM_001321830.2); short protein forms R156H, R282H.
Identifiers: ClinVar variation 2674784 (VCV002674784.4), dbSNP rs756029240, ClinGen allele CA3584998.